The following is an entry in ClinVar:

ClinVar aggregate classification (germline): Likely pathogenic (1 of 4 stars; one submission).

Conditions:
Cardiomyopathy (CMYO). Also called: Cardiomyopathies. Identifiers: Orphanet 167848, MedGen C0878544, MONDO:0004994, HP:0001638. Inheritance: Various modes of inheritance.

Submission:

Color Diagnostics, LLC DBA Color Health
Classification: Likely pathogenic for Cardiomyopathy. Last evaluated: 2024-07-24. Review status: criteria provided, single submitter. Criteria: ACMG Guidelines, 2015. Collection method: clinical testing. Allele origin: germline.
Comment: This variant deletes 1 nucleotide in the last exon of the DSP gene, creating a frameshift and premature translation stop signal. This variant alters C-terminal plakin repeat domains and is expected to disrupt DSP protein function (PMID: 12101406, 12802069, 21756917). To our knowledge, this variant has not been reported in individuals affected with DSP-related disorders in the literature. This variant has not been identified in the general population by the Genome Aggregation Database (gnomAD). Loss of DSP function is a known mechanism of disease. Based on the available evidence, this variant is classified as Likely Pathogenic.

Literature cited by the submitters: PubMed 12101406; PubMed 12802069; PubMed 21756917.

NM_004415.4(DSP):c.7264del (p.Glu2422fs)

Gene: DSP (desmoplakin; plus strand). Cytogenetic location: 6p24.3.
Variant type: Deletion.
Coding change: c.7264del on transcript NM_004415.4 (MANE Select); coding-DNA position 7264, one base deleted (G; older notation c.7264delG).
Protein change: p.Glu2422fs; shifts the reading frame from glutamic acid 2422.
Molecular consequence: frameshift variant.
Genome position (GRCh38, 1-based): chr6:7,584,526, G deleted. VCF-style (leftmost placement, unchanged base first): chr6-7584525-AG-A. GRCh37 (hg19) VCF-style: chr6-7584758-AG-A.
Other names: c.5467del, p.Glu1823fs (NM_001008844.3); c.5935del, p.Glu1979fs (NM_001319034.2); short protein forms E2422fs, E1979fs, E1823fs.
Identifiers: ClinVar variation 923484 (VCV000923484.4), dbSNP rs1759564374, ClinGen allele CA1139659423.